The following is an entry in ClinVar:

NM_152722.5(HEPACAM):c.636C>T (p.Asp212=)

Gene: HEPACAM (hepatic and glial cell adhesion molecule; minus strand). Cytogenetic location: 11q24.2.
Variant type: single nucleotide variant.
Coding change: c.636C>T on transcript NM_152722.5 (MANE Select); coding-DNA position 636, C replaced by T.
Protein change: p.Asp212=; no amino-acid change (aspartic acid 212 retained).
Molecular consequence: synonymous variant.
Genome position (GRCh38, 1-based): chr11:124,923,802, G>A on the plus strand (C>T on the coding strand, the complement: HEPACAM is on the minus strand). VCF-style: chr11-124923802-G-A. GRCh37 (hg19) VCF-style: chr11-124793698-G-A.
Identifiers: ClinVar variation 737623 (VCV000737623.20), dbSNP rs137886095, ClinGen allele CA6345700.

ClinVar aggregate classification (germline): Conflicting classifications of pathogenicity. Review status: criteria provided, conflicting classifications (1 of 4 stars). 4 submissions from 4 submitters: Uncertain significance (1); Likely benign (3). Last evaluated 2025-10-01.

Conditions:
Megalencephalic leukoencephalopathy with subcortical cysts. Also called: VAN DER KNAAP DISEASE. Identifiers: Orphanet 2478, MedGen C1858854, MONDO:0011391.

Allele frequency attached by ClinVar (database versions not stated): gnomAD exomes 0.00008 and 0.00014; 1000 Genomes Project 30x 0.00016; ExAC 0.00016; 1000 Genomes Project 0.00020; gnomAD 0.00032 and 0.00036; TOPMed 0.00038; ESP Exome Variant Server 0.00062.
gnomAD v4.1: 170 of 1,614,226 alleles (0.011%); highest among the groups gnomAD compares: African/African-American, 0.11%; no homozygotes.

Submissions (4):

CeGaT Center for Human Genetics Tuebingen
Classification: Likely benign. Last evaluated: 2025-10-01. Review status: criteria provided, single submitter. Criteria: CeGaT Center For Human Genetics Tuebingen Variant Classification Criteria Version 2. Collection method: clinical testing. Allele origin: germline. Affected: yes. Observed: 1 variant allele.
Comment: HEPACAM: BP4, BP7

Labcorp Genetics (formerly Invitae), Labcorp
Classification: Likely benign. Last evaluated: 2025-06-24. Review status: criteria provided, single submitter. Criteria: Invitae Variant Classification Sherloc (09022015). Collection method: clinical testing. Allele origin: germline.

Blueprint Genetics
Classification: Likely benign. Last evaluated: 2023-02-17. Review status: criteria provided, single submitter. Criteria: ACMG Guidelines, 2015. Collection method: clinical testing. Allele origin: germline.

Illumina Laboratory Services, Illumina
Classification: Uncertain significance for Megalencephalic leukoencephalopathy with subcortical cysts. Last evaluated: 2018-03-16. Review status: criteria provided, single submitter. Criteria: ICSL Variant Classification Criteria 13 December 2019. Collection method: clinical testing. Allele origin: germline.